The following is an entry in ClinVar:

ClinVar aggregate classification (germline): Pathogenic (1 of 4 stars; one submission).

Submission:

Labcorp Genetics (formerly Invitae), Labcorp
Classification: Pathogenic. Last evaluated: 2021-08-04. Review status: criteria provided, single submitter. Criteria: Invitae Variant Classification Sherloc (09022015). Collection method: clinical testing. Allele origin: germline.
Comment: A gross deletion of the genomic region encompassing the full coding sequence of the SLC38A8 gene has been identified. Loss-of-function variants in SLC38A8 are known to be pathogenic (PMID: 24290379). The boundaries of this event are unknown as they extend beyond the assayed region for this gene and therefore may encompass additional genes. A similar copy number variant has been observed in individual(s) with foveal hypoplasia, optic nerve misrouting, and Kartagener syndrome (PMID: 24290379). For these reasons, this variant has been classified as Pathogenic.

Literature cited by the submitters: PubMed 24290379.

NC_000016.9:g.(?_84005756)_(84164926_?)del

Genes: HSDL1 (hydroxysteroid dehydrogenase like 1; minus strand), MBTPS1 (membrane bound transcription factor peptidase, site 1; minus strand), NECAB2 (N-terminal EF-hand calcium binding protein 2; plus strand), SLC38A8 (solute carrier family 38 member 8; minus strand). Cytogenetic location: 16q23.3.
Variant type: Deletion.
Identifiers: ClinVar variation 1076225 (VCV001076225.6).